The following is an entry in ClinVar:

ClinVar aggregate classification (germline): Uncertain significance. Review status: criteria provided, multiple submitters, no conflicts (2 of 4 stars). 2 submissions from 2 submitters: Uncertain significance (2). Last evaluated 2025-08-22.

Conditions:
RYR1-related disorder. Also called: RYR1-related condition; RYR1-related disorders. Identifiers: MedGen CN239331.
Malignant hyperthermia, susceptibility to, 1 (MHS1). Also called: Anesthesia related hyperthermia; Malignant hyperpyrexia; Fulminating hyperpyrexia; Pharmacogenic myopathy; RYR1-Related Malignant Hyperthermia Susceptibility; Malignant hyperthermia suceptibility 1. Identifiers: Orphanet 423, MedGen C2930980, MONDO:0007783, OMIM 145600.

gnomAD v4.1: 1 of 1,614,010 alleles (0.000062%); no homozygotes.

Submissions (2):

Color Diagnostics, LLC DBA Color Health
Classification: Uncertain significance for Malignant hyperthermia, susceptibility to, 1. Last evaluated: 2025-08-22. Review status: criteria provided, single submitter. Criteria: ACMG Guidelines, 2015. Collection method: clinical testing. Allele origin: germline.
Comment: This missense variant replaces leucine with valine at codon 1927 of the RYR1 protein. Computational prediction suggests that this variant may not impact protein structure and function. To our knowledge, functional studies have not been reported for this variant. This variant has not been reported in individuals affected with RYR1-related disorders in the literature. This variant has not been identified in the general population by the Genome Aggregation Database (gnomAD). The available evidence is insufficient to determine the role of this variant in disease conclusively. Therefore, this variant is classified as a Variant of Uncertain Significance.

Labcorp Genetics (formerly Invitae), Labcorp
Classification: Uncertain significance for RYR1-related disorder. Last evaluated: 2024-12-04. Review status: criteria provided, single submitter. Criteria: Invitae Variant Classification Sherloc (09022015). Collection method: clinical testing. Allele origin: germline.
Comment: This sequence change replaces leucine, which is neutral and non-polar, with valine, which is neutral and non-polar, at codon 1927 of the RYR1 protein (p.Leu1927Val). This variant is not present in population databases (gnomAD no frequency). This variant has not been reported in the literature in individuals affected with RYR1-related conditions. Invitae Evidence Modeling of protein sequence and biophysical properties (such as structural, functional, and spatial information, amino acid conservation, physicochemical variation, residue mobility, and thermodynamic stability) indicates that this missense variant is expected to disrupt RYR1 protein function with a positive predictive value of 80%. In summary, the available evidence is currently insufficient to determine the role of this variant in disease. Therefore, it has been classified as a Variant of Uncertain Significance.

NM_000540.3(RYR1):c.5779C>G (p.Leu1927Val)

Gene: RYR1 (ryanodine receptor 1; plus strand). Cytogenetic location: 19q13.2.
Variant type: single nucleotide variant.
Coding change: c.5779C>G on transcript NM_000540.3 (MANE Select); coding-DNA position 5779, C replaced by G.
Protein change: p.Leu1927Val; replaces leucine 1927 with valine.
Molecular consequence: missense variant.
Genome position (GRCh38, 1-based): chr19:38,489,408, C>G. VCF-style: chr19-38489408-C-G. GRCh37 (hg19) VCF-style: chr19-38980048-C-G.
Other names: c.5779C>G, p.Leu1927Val (NM_001042723.2); short protein forms L1927V.
Identifiers: ClinVar variation 3675249 (VCV003675249.3).
Genomic context (GRCh38, chr19:38,489,408, plus strand): 5'-GAAAAAGAGGAAGAGGAGGCAGCAGAAGGGGAGAAAGAAGAAGGCTTGGAGGAAGGGCTG[C>G]TCCAGATGAAGTTGCCAGAGTCTGTGAAGTTACAGGTGGGCTGCTGCTTCCTGCTTTTCG-3'
Protein context (NP_000531.2, residues 1917-1937): EKEEGLEEGL[Leu1927Val]QMKLPESVKL